The following is an entry in ClinVar:

ClinVar aggregate classification (germline): Uncertain significance (1 of 4 stars; one submission).

Conditions:
Bloom syndrome (BLM). Also called: Bloom-Torre-Machacek syndrome. Identifiers: Orphanet 125, MedGen C0005859, MONDO:0008876, OMIM 210900.

Submission:

Labcorp Genetics (formerly Invitae), Labcorp
Classification: Uncertain significance for Bloom syndrome. Last evaluated: 2021-07-11. Review status: criteria provided, single submitter. Criteria: Invitae Variant Classification Sherloc (09022015). Collection method: clinical testing. Allele origin: germline.
Comment: This sequence change replaces lysine with arginine at codon 38 of the BLM protein (p.Lys38Arg). The lysine residue is weakly conserved and there is a small physicochemical difference between lysine and arginine. This variant is not present in population databases (ExAC no frequency). This variant has not been reported in the literature in individuals affected with BLM-related conditions. Algorithms developed to predict the effect of missense changes on protein structure and function are either unavailable or do not agree on the potential impact of this missense change (SIFT: "Tolerated"; PolyPhen-2: "Probably Damaging"; Align-GVGD: "Class C0"). Algorithms developed to predict the effect of sequence changes on RNA splicing suggest that this variant may create or strengthen a splice site. In summary, the available evidence is currently insufficient to determine the role of this variant in disease. Therefore, it has been classified as a Variant of Uncertain Significance.

NM_000057.4(BLM):c.113A>G (p.Lys38Arg)

Gene: BLM (BLM RecQ like helicase; plus strand). Cytogenetic location: 15q26.1.
Variant type: single nucleotide variant.
Coding change: c.113A>G on transcript NM_000057.4 (MANE Select); coding-DNA position 113, A replaced by G.
Protein change: p.Lys38Arg; replaces lysine 38 with arginine.
Molecular consequence: missense variant. On other transcripts: 5 prime UTR variant (1).
Genome position (GRCh38, 1-based): chr15:90,749,381, A>G. VCF-style: chr15-90749381-A-G. GRCh37 (hg19) VCF-style: chr15-91292611-A-G.
Other names: c.113A>G, p.Lys38Arg (NM_001287246.2, NM_001287247.2); c.-1179A>G (NM_001287248.2); short protein forms K38R.
Identifiers: ClinVar variation 1482259 (VCV001482259.8), dbSNP rs2151146691, ClinGen allele CA393839335.